The following is an entry in ClinVar:

NM_005006.7(NDUFS1):c.-5+236T>C

Gene: NDUFS1 (NADH:ubiquinone oxidoreductase core subunit S1; minus strand). Cytogenetic location: 2q33.3.
Variant type: single nucleotide variant.
Coding change: c.-5+236T>C on transcript NM_005006.7 (MANE Select); 236 bases into the intron after 5 bases upstream of the start codon, T replaced by C.
Molecular consequence: intron variant. On other transcripts: missense variant (1).
Genome position (GRCh38, 1-based): chr2:206,159,105, A>G on the plus strand (T>C on the coding strand, the complement: NDUFS1 is on the minus strand). VCF-style: chr2-206159105-A-G. GRCh37 (hg19) VCF-style: chr2-207023829-A-G.
Other names: c.29T>C, p.Leu10Pro (NM_001199984.2); c.-61+236T>C (NM_001199982.2); c.-84+236T>C (NM_001199983.2); c.-5+236T>C (NM_001199981.2); short protein forms L10P.
Identifiers: ClinVar variation 800992 (VCV000800992.5), dbSNP rs184505364, ClinGen allele CA2070966.

ClinVar aggregate classification (germline): Conflicting classifications of pathogenicity. Review status: criteria provided, conflicting classifications (1 of 4 stars). 5 submissions from 5 submitters: Uncertain significance (2); Likely benign (1). 2 of the submissions do not count toward it. Last evaluated 2026-09-01.

Conditions:
Mitochondrial complex I deficiency, nuclear type 5. Also called: Mitochondrial complex 1 deficiency, nuclear type 5. Identifiers: MedGen C4748754, MONDO:0032610, OMIM 618226.

Allele frequency attached by ClinVar (database versions not stated): TOPMed 0.00195; 1000 Genomes Project 0.00240; 1000 Genomes Project 30x 0.00312; ExAC 0.00009; gnomAD exomes 0.00016 and 0.00042; gnomAD 0.00188 and 0.00195.

Submissions (5):

CeGaT Center for Human Genetics Tuebingen
Classification: Likely benign. Last evaluated: 2026-09-01. Review status: criteria provided, single submitter. Criteria: CeGaT Center For Human Genetics Tuebingen Variant Classification Criteria Version 2. Collection method: clinical testing. Allele origin: germline. Affected: yes. Observed: 1 variant allele.
Comment: NDUFS1: BP4, BS1

Fulgent Genetics
Classification: Uncertain significance for Mitochondrial complex I deficiency, nuclear type 5. Last evaluated: 2022-03-03. Review status: criteria provided, single submitter. Criteria: ACMG Guidelines, 2015. Collection method: clinical testing. Allele origin: unknown.

Breakthrough Genomics
Classification: Uncertain significance. Review status: criteria provided, single submitter. Criteria: ACMG Guidelines, 2015. Collection method: not provided. Allele origin: germline. Inheritance: Autosomal recessive inheritance. Affected: yes.

Biochemical Molecular Genetic Laboratory, King Abdulaziz Medical City
Classification: Uncertain significance for Mitochondrial complex I deficiency, nuclear type 5. Last evaluated: 2019-09-26. Review status: no assertion criteria provided. Collection method: clinical testing. Allele origin: germline. Affected: yes. Not counted in ClinVar's aggregate classification.

Department of Pathology and Laboratory Medicine, Sinai Health System
Classification: Uncertain significance. Review status: no assertion criteria provided. Collection method: clinical testing. Allele origin: unknown. Affected: yes. Study: The Canadian Open Genetics Repository (COGR). Not counted in ClinVar's aggregate classification.
Comment: The NDUFS1 p.Leu10Pro variant was not identified in the literature nor was it identified in ClinVar, Cosmic, or LOVD 3.0. The variant was identified in dbSNP (ID: rs184505364). The variant was identified in control databases in 111 of 159842 chromosomes at a frequency of 0.000694 increasing the likelihood this could be a low frequency benign variant (Genome Aggregation Database Feb 27, 2017). The variant was observed in the following populations: African in 106 of 14796 chromosomes (freq: 0.007164), Other in 1 of 5092 chromosomes (freq: 0.000196), Latino in 3 of 25204 chromosomes (freq: 0.000119), South Asian in 1 of 22384 chromosomes (freq: 0.000045), while the variant was not observed in the Ashkenazi Jewish, East Asian, European (Finnish), and European (non-Finnish) populations. The p.Leu10 residue is conserved across mammals and other organisms however four out of five computational analyses (PolyPhen-2, SIFT, AlignGVGD, MutationTaster) do not suggest a high likelihood of impact to the protein; this information is not predictive enough to rule out pathogenicity. The variant occurs outside of the splicing consensus sequence and in silico or computational prediction software programs (SpliceSiteFinder, MaxEntScan, NNSPLICE, GeneSplicer) do not predict a difference in splicing. In summary, based on the above information the clinical significance of this variant cannot be determined with certainty at this time. This variant is classified as a variant of uncertain significance.